The following is an entry in ClinVar:

ClinVar aggregate classification (germline): Uncertain significance (1 of 4 stars; one submission).

gnomAD v4.1: 1 of 1,613,754 alleles (0.000062%); highest among the groups gnomAD compares: East Asian, 0.0022%; no homozygotes.

Submission:

GeneDx
Classification: Uncertain significance. Last evaluated: 2025-03-17. Review status: criteria provided, single submitter. Criteria: GeneDx Variant Classification Process June 2021. Collection method: clinical testing. Allele origin: germline. Affected: yes.
Comment: Not observed at significant frequency in large population cohorts (gnomAD); In silico analysis indicates that this missense variant does not alter protein structure/function; Has not been previously published as pathogenic or benign to our knowledge

NM_001395159.1(UNC79):c.3161G>A (p.Ser1054Asn)

Gene: UNC79 (unc-79 subunit of NALCN channel complex; plus strand). Cytogenetic location: 14q32.12.
Variant type: single nucleotide variant.
Coding change: c.3161G>A on transcript NM_001395159.1 (MANE Select); coding-DNA position 3161, G replaced by A.
Protein change: p.Ser1054Asn; replaces serine 1054 with asparagine.
Molecular consequence: missense variant.
Genome position (GRCh38, 1-based): chr14:93,593,808, G>A. VCF-style: chr14-93593808-G-A. GRCh37 (hg19) VCF-style: chr14-94060154-G-A.
Other names: c.3161G>A, p.Ser1054Asn (NM_001346218.2); c.2630G>A, p.Ser877Asn (NM_020818.5); short protein forms S1054N, S877N.
Identifiers: ClinVar variation 4086769 (VCV004086769.1).